The following is an entry in ClinVar:

ClinVar aggregate classification (germline): Uncertain significance (1 of 4 stars; one submission).

Conditions:
Glycogen storage disease due to muscle beta-enolase deficiency (GSD13). Also called: ENOLASE 3 DEFICIENCY; ENOLASE-BETA DEFICIENCY; GSD XIII; Glycogen Storage Disease Type XIII. Identifiers: Orphanet 99849, MedGen C2752027, MONDO:0013046, OMIM 612932.

Allele frequency attached by ClinVar (database versions not stated): ExAC 0.00002.

Submission:

Labcorp Genetics (formerly Invitae), Labcorp
Classification: Uncertain significance for Glycogen storage disease due to muscle beta-enolase deficiency. Last evaluated: 2023-07-10. Review status: criteria provided, single submitter. Criteria: Invitae Variant Classification Sherloc (09022015). Collection method: clinical testing. Allele origin: germline.
Comment: ClinVar contains an entry for this variant (Variation ID: 2199881). Advanced modeling of protein sequence and biophysical properties (such as structural, functional, and spatial information, amino acid conservation, physicochemical variation, residue mobility, and thermodynamic stability) performed at Invitae indicates that this missense variant is not expected to disrupt ENO3 protein function. In summary, the available evidence is currently insufficient to determine the role of this variant in disease. Therefore, it has been classified as a Variant of Uncertain Significance. This variant is also known as p.Val127Met. This sequence change replaces valine, which is neutral and non-polar, with methionine, which is neutral and non-polar, at codon 118 of the ENO3 protein (p.Val118Met). This variant is present in population databases (rs754077608, gnomAD 0.01%). This missense change has been observed in individual(s) with clinical features of a neurodevelopmental disorder (PMID: 33004838).

Literature cited by the submitters: PubMed 33004838.

NM_053013.4(ENO3):c.352G>A (p.Val118Met)

Gene: ENO3 (enolase 3; plus strand). Cytogenetic location: 17p13.2.
Variant type: single nucleotide variant.
Coding change: c.352G>A on transcript NM_053013.4 (MANE Select); coding-DNA position 352, G replaced by A.
Protein change: p.Val118Met; replaces valine 118 with methionine.
Molecular consequence: missense variant.
Genome position (GRCh38, 1-based): chr17:4,953,753, G>A. VCF-style: chr17-4953753-G-A. GRCh37 (hg19) VCF-style: chr17-4857048-G-A.
Other names: c.223G>A, p.Val75Met (NM_001193503.2); c.352G>A, p.Val118Met (NM_001374523.1, NM_001976.5); c.379G>A, p.Val127Met (NM_001374524.1); short protein forms V118M, V75M, V127M.
Identifiers: ClinVar variation 2199881 (VCV002199881.2), dbSNP rs754077608, ClinGen allele CA8316275.